The following is an entry in ClinVar:

ClinVar aggregate classification (germline): Uncertain significance (1 of 4 stars; one submission).

Submission:

CeGaT Center for Human Genetics Tuebingen
Classification: Uncertain significance. Last evaluated: 2024-10-01. Review status: criteria provided, single submitter. Criteria: CeGaT Center For Human Genetics Tuebingen Variant Classification Criteria Version 2. Collection method: clinical testing. Allele origin: germline. Affected: yes. Observed: 1 variant allele.
Comment: CD96: PM2

NM_005816.5(CD96):c.1258_1264delinsGACTGAC (p.Ser420_Met422delinsAspTer)

Gene: CD96 (CD96 molecule; plus strand). Cytogenetic location: 3q13.2.
Variant type: Indel.
Coding change: c.1258_1264delinsGACTGAC on transcript NM_005816.5 (MANE Select); coding-DNA positions 1258 to 1264, TCCAGTA replaced by GACTGAC.
Protein change: p.Ser420_Met422delinsAspTer.
Molecular consequence: nonsense. On other transcripts: non-coding transcript variant (1).
Genome position (GRCh38, 1-based): chr3:111,624,341-111,624,347, TCCAGTA replaced by GACTGAC. VCF-style: chr3-111624341-TCCAGTA-GACTGAC. GRCh37 (hg19) VCF-style: chr3-111343188-TCCAGTA-GACTGAC.
Other names: c.1258_1264delinsGACTGAC, p.Ser420_Met422delinsAspTer (NM_001410800.1); c.1306_1312delinsGACTGAC, p.Ser436_Met438delinsAspTer (NM_198196.3).
Identifiers: ClinVar variation 3390287 (VCV003390287.14).